The following is an entry in ClinVar:

ClinVar aggregate classification (germline): Pathogenic (0 of 4 stars; one submission).

Conditions:
ASPM-related disorder. Also called: ASPM-related condition.

Submission:

PreventionGenetics, part of Exact Sciences
Classification: Pathogenic for ASPM-related condition. Last evaluated: 2024-01-12. Review status: no assertion criteria provided. Collection method: clinical testing. Allele origin: germline.
Comment: The ASPM c.1599_1606del8 variant is predicted to result in a frameshift and premature protein termination (p.Asn533Lysfs*19). To our knowledge, this variant has not been reported in the literature or in a large population database, indicating this variant is rare. Frameshift variants in ASPM are expected to be pathogenic. This variant is interpreted as pathogenic.

NM_018136.5(ASPM):c.1599_1606del (p.Asn533fs)

Gene: ASPM (assembly factor for spindle microtubules; minus strand). Cytogenetic location: 1q31.3.
Variant type: Deletion.
Coding change: c.1599_1606del on transcript NM_018136.5 (MANE Select); coding-DNA positions 1599 to 1606, 8 bases deleted (TAATCAAA; older notation c.1599_1606delTAATCAAA).
Protein change: p.Asn533fs; shifts the reading frame from asparagine 533.
Molecular consequence: frameshift variant.
Genome position (GRCh38, 1-based): chr1:197,142,646-197,142,653, TTTGATTA deleted on the plus strand (TAATCAAA on the coding strand, the reverse complement: ASPM is on the minus strand); deleting any 8 consecutive bases within chr1:197,142,646-197,142,656 gives the same sequence; the c. name uses the placement nearest the transcript's 3' end. VCF-style (leftmost placement, unchanged base first): chr1-197142645-TTTTGATTA-T. GRCh37 (hg19) VCF-style: chr1-197111775-TTTTGATTA-T.
Other names: c.1599_1606del, p.Asn533fs (NM_001206846.2); short protein forms N533fs.
Identifiers: ClinVar variation 3048651 (VCV003048651.2), dbSNP rs2527402190, ClinGen allele CA2740090289.
Genomic context (GRCh38, chr1:197,142,645, plus strand): 5'-TTAGATTTACTTAATATTGGATCTATAATTGGAAGATAAGAATGAAAATCTTCTTTTTCC[TTTTGATTA>T]TTTATTACTTTTTCATGTTCACCCACTGCACTGTTGAGACATCTTTTTGCTTTTGGTTTA-3'